The following is an entry in ClinVar:

ClinVar aggregate classification (germline): Uncertain significance (1 of 4 stars; one submission).

Allele frequency attached by ClinVar (database versions not stated): TOPMed below 0.00001; gnomAD 0.00001.

Submission:

Labcorp Genetics (formerly Invitae), Labcorp
Classification: Uncertain significance. Last evaluated: 2026-01-19. Review status: criteria provided, single submitter. Criteria: Invitae Variant Classification Sherloc (09022015). Collection method: clinical testing. Allele origin: germline.
Comment: This sequence change replaces proline, which is neutral and non-polar, with leucine, which is neutral and non-polar, at codon 572 of the COL13A1 protein (p.Pro572Leu). This variant is not present in population databases (gnomAD no frequency). This variant has not been reported in the literature in individuals affected with COL13A1-related conditions. ClinVar contains an entry for this variant (Variation ID: 1372839). An algorithm developed to predict the effect of missense changes on protein structure and function outputs the following: PolyPhen-2: "Probably Damaging". The leucine amino acid residue is found in multiple mammalian species, which suggests that this missense change does not adversely affect protein function. In summary, the available evidence is currently insufficient to determine the role of this variant in disease. Therefore, it has been classified as a Variant of Uncertain Significance.

NM_001368882.1(COL13A1):c.1748C>T (p.Pro583Leu)

Gene: COL13A1 (collagen type XIII alpha 1 chain; plus strand). Cytogenetic location: 10q22.1.
Variant type: single nucleotide variant.
Coding change: c.1748C>T on transcript NM_001368882.1 (MANE Select); coding-DNA position 1748, C replaced by T.
Protein change: p.Pro583Leu; replaces proline 583 with leucine.
Molecular consequence: missense variant. On other transcripts: intron variant (6).
Genome position (GRCh38, 1-based): chr10:69,935,369, C>T. VCF-style: chr10-69935369-C-T. GRCh37 (hg19) VCF-style: chr10-71695125-C-T.
Other names: c.1715C>T, p.Pro572Leu (NM_001130103.2); c.1640C>T, p.Pro547Leu (NM_001320951.2); c.1040C>T, p.Pro347Leu (NM_001368886.1); c.1544C>T, p.Pro515Leu (NM_001368898.1); c.1499C>T, p.Pro500Leu (NM_080798.4); c.1658C>T, p.Pro553Leu (NM_080800.4); c.1649C>T, p.Pro550Leu (NM_080801.4); c.1604C>T, p.Pro535Leu (NM_080802.4); and 7 more; short protein forms P500L, P547L, P572L, P583L, P515L, P347L, P506L, P535L.
Identifiers: ClinVar variation 1372839 (VCV001372839.4), dbSNP rs1318857369, ClinGen allele CA376932062.
Genomic context (GRCh38, chr10:69,935,369, plus strand): 5'-GGGCCACTTCAAATGTAACAGGGCTCCCCTTTGGCTTTTAGGTTCCTGGGCTGCCAGGGC[C>T]AGAGGGGCCTCCCGGACCTCCGGTAAGTTTGGAGGGCTTGTCAGTGGCCAGTCCACTAAT-3'
Protein context (NP_001355811.1, residues 573-593): PGAEVPGLPG[Pro583Leu]EGPPGPPGLQ